The following is an entry in ClinVar:

NM_002691.4(POLD1):c.1115A>G (p.Glu372Gly)

Gene: POLD1 (DNA polymerase delta 1, catalytic subunit; plus strand). Cytogenetic location: 19q13.33.
Variant type: single nucleotide variant.
Coding change: c.1115A>G on transcript NM_002691.4 (MANE Select); coding-DNA position 1115, A replaced by G.
Protein change: p.Glu372Gly; replaces glutamic acid 372 with glycine.
Molecular consequence: missense variant. On other transcripts: non-coding transcript variant (1).
Genome position (GRCh38, 1-based): chr19:50,403,197, A>G. VCF-style: chr19-50403197-A-G. GRCh37 (hg19) VCF-style: chr19-50906454-A-G.
Other names: c.1115A>G, p.Glu372Gly (NM_001256849.1, NM_001308632.1); short protein forms E372G.
Identifiers: ClinVar variation 484354 (VCV000484354.13), dbSNP rs1057119431, ClinGen allele CA309601316.
Genomic context (GRCh38, chr19:50,403,197, plus strand): 5'-GCCTGGCGCTCACCCTGCGGCCCTGTGCCCCCATCCTGGGTGCCAAGGTGCAGAGCTACG[A>G]GAAGGAGGAGGACCTGCTGCAGGTAGCTCTCGCTCCACGCCCCACACCATTTCCCGGGGT-3'
Protein context (NP_002682.2, residues 362-382): PILGAKVQSY[Glu372Gly]KEEDLLQAWS

ClinVar aggregate classification (germline): Conflicting classifications of pathogenicity. Review status: criteria provided, conflicting classifications (1 of 4 stars). 2 submissions from 2 submitters: Uncertain significance (1); Likely benign (1). Last evaluated 2025-07-29.

Conditions:
POLD1-related polyposis and colorectal cancer syndrome (CRCS10). Also called: Colorectal cancer 10; COLORECTAL CANCER, SUSCEPTIBILITY TO, ON CHROMOSOME 19q; Colorectal cancer, susceptibility to, 10. Identifiers: Orphanet 220460, MedGen C2675481, MONDO:0012953, OMIM 612591.
Hereditary cancer-predisposing syndrome. Also called: Tumor predisposition; Hereditary Cancer Syndrome; Hereditary neoplastic syndrome; Neoplastic Syndromes, Hereditary. Identifiers: Orphanet 140162, MedGen C0027672, MeSH D009386, MONDO:0015356.

Allele frequency attached by ClinVar (database versions not stated): gnomAD exomes below 0.00001; TOPMed below 0.00001.
gnomAD v4.1: 1 of 1,560,786 alleles (0.000064%); highest among the groups gnomAD compares: African/African-American, 0.0014%; no homozygotes.

Submissions (2):

Labcorp Genetics (formerly Invitae), Labcorp
Classification: Uncertain significance for POLD1-related polyposis and colorectal cancer syndrome. Last evaluated: 2025-07-29. Review status: criteria provided, single submitter. Criteria: Invitae Variant Classification Sherloc (09022015). Collection method: clinical testing. Allele origin: germline.
Comment: This sequence change replaces glutamic acid, which is acidic and polar, with glycine, which is neutral and non-polar, at codon 372 of the POLD1 protein (p.Glu372Gly). This variant is not present in population databases (gnomAD no frequency). This variant has not been reported in the literature in individuals affected with POLD1-related conditions. ClinVar contains an entry for this variant (Variation ID: 484354). Invitae Evidence Modeling of protein sequence and biophysical properties (such as structural, functional, and spatial information, amino acid conservation, physicochemical variation, residue mobility, and thermodynamic stability) indicates that this missense variant is not expected to disrupt POLD1 protein function with a negative predictive value of 80%. In summary, the available evidence is currently insufficient to determine the role of this variant in disease. Therefore, it has been classified as a Variant of Uncertain Significance.

Ambry Genetics
Classification: Likely benign for Hereditary cancer-predisposing syndrome. Last evaluated: 2024-03-28. Review status: criteria provided, single submitter. Criteria: Ambry Variant Classification Scheme 2023. Collection method: clinical testing. Allele origin: germline.